The following is an entry in ClinVar:

ClinVar aggregate classification (germline): Uncertain significance (1 of 4 stars; one submission).

Allele frequency attached by ClinVar (database versions not stated): gnomAD exomes below 0.00001.

Submission:

GeneDx
Classification: Uncertain significance. Last evaluated: 2023-02-02. Review status: criteria provided, single submitter. Criteria: GeneDx Variant Classification Process June 2021. Collection method: clinical testing. Allele origin: germline. Affected: yes.
Comment: Not observed at significant frequency in large population cohorts (gnomAD); In silico analysis supports that this missense variant has a deleterious effect on protein structure/function; Has not been previously published as pathogenic or benign to our knowledge

NM_000937.5(POLR2A):c.5039C>T (p.Pro1680Leu)

Gene: POLR2A (RNA polymerase II subunit A; plus strand). Cytogenetic location: 17p13.1.
Variant type: single nucleotide variant.
Coding change: c.5039C>T on transcript NM_000937.5 (MANE Select); coding-DNA position 5039, C replaced by T.
Protein change: p.Pro1680Leu; replaces proline 1680 with leucine.
Molecular consequence: missense variant.
Genome position (GRCh38, 1-based): chr17:7,513,303, C>T. VCF-style: chr17-7513303-C-T. GRCh37 (hg19) VCF-style: chr17-7416622-C-T.
Other names: short protein forms P1680L.
Identifiers: ClinVar variation 2575021 (VCV002575021.1), dbSNP rs2508200108, ClinGen allele CA397835108.